The following is an entry in ClinVar:

ClinVar aggregate classification (germline): Conflicting classifications of pathogenicity. Review status: criteria provided, conflicting classifications (1 of 4 stars). 6 submissions from 6 submitters: Likely pathogenic (3); Uncertain significance (3). Last evaluated 2026-01-12.

Conditions:
Arthrogryposis multiplex congenita 6. Identifiers: MedGen C5543431, MONDO:0030281, OMIM 619334.
Nemaline myopathy 2 (NEM2). Also called: Nemaline myopathy 2, autosomal recessive. Identifiers: MedGen C1850569, MONDO:0009725, OMIM 256030.
Nemaline myopathy. Also called: Myopathies, Nemaline. Identifiers: Orphanet 607, MedGen C0206157, MONDO:0018958.

Allele frequency attached by ClinVar (database versions not stated): TOPMed below 0.00001.
gnomAD v4.1: 51 of 1,613,866 alleles (0.0032%); highest among the groups gnomAD compares: Non-Finnish European, 0.0043%; no homozygotes.

Submissions (6):

Labcorp Genetics (formerly Invitae), Labcorp
Classification: Likely pathogenic for Nemaline myopathy 2. Last evaluated: 2026-01-12. Review status: criteria provided, single submitter. Criteria: Invitae Variant Classification Sherloc (09022015). Collection method: clinical testing. Allele origin: germline.
Comment: This sequence change replaces glutamic acid, which is acidic and polar, with lysine, which is basic and polar, at codon 2431 of the NEB protein (p.Glu2431Lys). This variant is present in population databases (rs767302772, gnomAD 0.002%). This missense change has been observed in individual(s) with nemaline myopathy (PMID: 16917880, 27854218; internal data). In at least one individual the data is consistent with being in trans (on the opposite chromosome) from a pathogenic variant. ClinVar contains an entry for this variant (Variation ID: 242433). Algorithms developed to predict the effect of variants on gene product structure and function are not available or were not evaluated for this variant. Experimental studies are conflicting or provide insufficient evidence to determine the effect of this variant on NEB function (PMID: 25110572). In summary, the currently available evidence indicates that the variant is pathogenic, but additional data are needed to prove that conclusively. Therefore, this variant has been classified as Likely Pathogenic.

Myriad Genetics, Inc.
Classification: Uncertain significance for Nemaline myopathy 2. Last evaluated: 2025-11-17. Review status: criteria provided, single submitter. Criteria: Myriad Autosomal Dominant, Autosomal Recessive and X-Linked Classification Criteria (2023). Collection method: clinical testing. Allele origin: unknown.
Comment: NM_001271208.1(NEB):c.7291G>A(E2431K) is a missense variant classified as a variant of uncertain significance in the context of NEB-related nemaline myopathy. E2431K has been observed in cases with relevant disease (PMID: 16917880, 25205138, 27854218). Relevant functional assessments of this variant are not available in the literature. E2431K has been observed in referenced population frequency databases. In summary, there is insufficient evidence to classify NM_001271208.1(NEB):c.7291G>A(E2431K) as pathogenic or benign. Please note: this variant was assessed in the context of healthy population screening.

Women's Health and Genetics/Laboratory Corporation of America, LabCorp
Classification: Uncertain significance. Last evaluated: 2025-06-20. Review status: criteria provided, single submitter. Criteria: LabCorp Variant Classification Summary - May 2015. Collection method: clinical testing. Allele origin: germline.
Comment: Variant summary: NEB c.7291G>A (p.Glu2431Lys) results in a conservative amino acid change in the encoded protein sequence. Algorithms developed to predict the effect of missense changes on protein structure and function are either unavailable or do not agree on the potential impact of this missense change. The variant allele was found at a frequency of 8e-06 in 248946 control chromosomes. c.7291G>A has been observed in at least two compound heterozygous individuals affected with Nemaline Myopathy 2 (example: Lehtokari_2006, Lehtokari_2014, Punetha_2016, internal data). These data indicate that the variant may be associated with disease. At least one publication reports experimental evidence evaluating an impact on protein function, however, does not allow convincing conclusions about the variant effect (example: Marttila_2014). The following publications have been ascertained in the context of this evaluation (PMID: 16917880, 25205138, 25110572, 27854218). ClinVar contains an entry for this variant (Variation ID: 242433). Based on the evidence outlined above, the variant was classified as VUS-possibly pathogenic.

Broad Center for Mendelian Genomics, Broad Institute of MIT and Harvard
Classification: Uncertain significance for Nemaline myopathy. Last evaluated: 2025-03-18. Review status: criteria provided, single submitter. Criteria: ACMG Guidelines, 2015. Collection method: curation. Allele origin: germline. Inheritance: Autosomal recessive inheritance.
Comment: The p.Glu2431Lys variant in NEB has been reported, in the compound heterozygous state, in one individual with nemaline myopathy (PMID: 16917880), and has been identified in 0.005% (51/1111814) of European (non-Finnish) chromosomes by the Genome Aggregation Database (gnomAD; dbSNP ID: rs767302772). Although this variant has been seen in the general population in a heterozygous state, its frequency is low enough to be consistent with a recessive carrier frequency. Computational prediction tools, including splice predictors and conservation analyses, suggest that this variant may not impact the protein, though this information is not predictive enough to rule out pathogenicity. In summary, the clinical significance of the p.Glu2431Lys variant is uncertain. ACMG/AMP Criteria applied: PM3, BP4, PM2_supporting (Richards 2015).

Fulgent Genetics
Classification: Likely pathogenic for Nemaline myopathy 2; Arthrogryposis multiplex congenita 6. Last evaluated: 2024-05-20. Review status: criteria provided, single submitter. Criteria: ACMG Guidelines, 2015. Collection method: clinical testing. Allele origin: germline.

Baylor Genetics
Classification: Likely pathogenic for Arthrogryposis multiplex congenita 6. Last evaluated: 2023-04-05. Review status: criteria provided, single submitter. Criteria: ACMG Guidelines, 2015. Collection method: clinical testing. Allele origin: unknown.

Literature cited by the submitters: PubMed 16917880 (cited by 3 submitters); PubMed 27854218 (cited by 3 submitters); PubMed 25110572 (cited by Labcorp Genetics (formerly Invitae), Labcorp and Women's Health and Genetics/Laboratory Corporation of America, LabCorp); PubMed 25205138 (cited by Myriad Genetics, Inc. and Women's Health and Genetics/Laboratory Corporation of America, LabCorp).

NM_001271208.1(NEB):c.7291G>A

Gene: NEB (nebulin; minus strand). Cytogenetic location: 2q23.3.
Variant type: single nucleotide variant.
Coding change: c.7291G>A on transcript NM_001271208.1; coding-DNA position 7291, G replaced by A.
Molecular consequence: missense variant (on NM_001164508.2).
Genome position (GRCh38, 1-based): chr2:151,650,316, C>T on the plus strand (G>A on the coding strand, the complement: NEB is on the minus strand). VCF-style: chr2-151650316-C-T. GRCh37 (hg19) VCF-style: chr2-152506830-C-T.
Other names: c.7291G>A, p.Glu2431Lys (NM_001164507.2, NM_001164508.2, NM_001271208.2 and 1 more transcripts); short protein forms E2431K.
Identifiers: ClinVar variation 242433 (VCV000242433.10), dbSNP rs767302772, ClinGen allele CA16616822.
Genomic context (GRCh38, chr2:151,650,316, plus strand): 5'-GAGGCTGACGATATTTCTTCTCACTGATGATTTCCGAAGCCCGCTTGTTCTTTTCTGCCT[C>T]TAAAGAACCCAAGGGACTCCATCCTATGCCTCTCAGCCACTCAAGGTCAGATTTATATAG-3'